The following is an entry in ClinVar:

NM_001354604.2(MITF):c.*2458G>A

Gene: MITF (melanocyte inducing transcription factor; plus strand). Cytogenetic location: 3p13.
Variant type: single nucleotide variant.
Coding change: c.*2458G>A on transcript NM_001354604.2 (MANE Select); 2458 bases downstream of the stop codon, G replaced by A.
Molecular consequence: 3 prime UTR variant.
Genome position (GRCh38, 1-based): chr3:69,967,706, G>A. VCF-style: chr3-69967706-G-A. GRCh37 (hg19) VCF-style: chr3-70016857-G-A.
Other names: c.*2458G>A (NM_000248.4, NM_001184967.2, NM_001354605.2 and 8 more transcripts).
Identifiers: ClinVar variation 346537 (VCV000346537.6), dbSNP rs77962238, ClinGen allele CA10616591.

ClinVar aggregate classification (germline): Benign. Review status: criteria provided, multiple submitters, no conflicts (2 of 4 stars). 3 submissions from 2 submitters: Benign (3). Last evaluated 2018-01-13.

Conditions:
Tietz syndrome (TADS). Also called: ALBINISM-DEAFNESS OF TIETZ; HYPOPIGMENTATION/DEAFNESS OF TIETZ; TIETZ ALBINISM-DEAFNESS SYNDROME. Identifiers: Orphanet 42665, MedGen C0391816, MONDO:0007077, OMIM 103500.
Waardenburg syndrome type 2A (WS2A). Also called: WAARDENBURG SYNDROME WITHOUT DYSTOPIA CANTHORUM. Identifiers: Orphanet 3440, MedGen C1860339, MONDO:0008671, OMIM 193510.

Allele frequency attached by ClinVar (database versions not stated): gnomAD exomes 0.01359; gnomAD 0.01521 and 0.01555; TOPMed 0.01585; 1000 Genomes Project 30x 0.01671; 1000 Genomes Project 0.01817.
gnomAD v4.1: 3,466 of 232,986 alleles (1.5%); highest among the groups gnomAD compares: Middle Eastern, 3.7%; 37 homozygotes.

Submissions (3):

Illumina Laboratory Services, Illumina
Classification: Benign for Tietz syndrome. Last evaluated: 2018-01-13. Review status: criteria provided, single submitter. Criteria: ICSL Variant Classification Criteria 13 December 2019. Collection method: clinical testing. Allele origin: germline.
Comment: This variant was observed in the ICSL laboratory as part of a predisposition screen in an ostensibly healthy population. It had not been previously curated by ICSL or reported in the Human Gene Mutation Database (HGMD: prior to June 1st, 2018), and was therefore a candidate for classification through an automated scoring system. Utilizing variant allele frequency, disease prevalence and penetrance estimates, and inheritance mode, an automated score was calculated to assess if this variant is too frequent to cause the disease. Based on the score and internal cut-off values, a variant classified as benign is not then subjected to further curation. The score for this variant resulted in a classification of benign for this disease.

Illumina Laboratory Services, Illumina
Classification: Benign for Waardenburg syndrome type 2A. Last evaluated: 2018-01-13. Review status: criteria provided, single submitter. Criteria: ICSL Variant Classification Criteria 13 December 2019. Collection method: clinical testing. Allele origin: germline.
Comment: the same text as in the submission from Illumina Laboratory Services, Illumina above.

Breakthrough Genomics
Classification: Benign. Review status: criteria provided, single submitter. Criteria: ACMG Guidelines, 2015. Collection method: not provided. Allele origin: germline. Inheritance: Autosomal recessive inheritance. Affected: yes.